The following is an entry in ClinVar:

ClinVar aggregate classification (germline): Conflicting classifications of pathogenicity. Review status: criteria provided, conflicting classifications (1 of 4 stars). 2 submissions from 2 submitters: Uncertain significance (1); Likely benign (1). Last evaluated 2024-11-30.

Conditions:
Inborn genetic diseases. Identifiers: MedGen C0950123, MeSH D030342.

Allele frequency attached by ClinVar (database versions not stated): TOPMed 0.00001; gnomAD exomes 0.00002; ExAC 0.00003; gnomAD 0.00003.

Submissions (2):

Labcorp Genetics (formerly Invitae), Labcorp
Classification: Uncertain significance. Last evaluated: 2024-11-30. Review status: criteria provided, single submitter. Criteria: Invitae Variant Classification Sherloc (09022015). Collection method: clinical testing. Allele origin: germline.
Comment: This sequence change replaces alanine, which is neutral and non-polar, with threonine, which is neutral and polar, at codon 657 of the DLL1 protein (p.Ala657Thr). This variant is present in population databases (rs745583389, gnomAD 0.01%). This variant has not been reported in the literature in individuals affected with DLL1-related conditions. ClinVar contains an entry for this variant (Variation ID: 2887739). An algorithm developed to predict the effect of missense changes on protein structure and function outputs the following: PolyPhen-2: "Benign". The threonine amino acid residue is found in multiple mammalian species, which suggests that this missense change does not adversely affect protein function. In summary, the available evidence is currently insufficient to determine the role of this variant in disease. Therefore, it has been classified as a Variant of Uncertain Significance.

Ambry Genetics
Classification: Likely benign for Inborn genetic diseases. Last evaluated: 2024-02-06. Review status: criteria provided, single submitter. Criteria: Ambry Variant Classification Scheme 2023. Collection method: clinical testing. Allele origin: germline.

NM_005618.4(DLL1):c.1969G>A (p.Ala657Thr)

Genes: DLL1 (delta like canonical Notch ligand 1; minus strand), LOC126859913 (P300/CBP strongly-dependent group 1 enhancer GRCh37_chr6:170591232-170592431; plus strand). Cytogenetic location: 6q27.
Variant type: single nucleotide variant.
Coding change: c.1969G>A on transcript NM_005618.4 (MANE Select); coding-DNA position 1969, G replaced by A.
Protein change: p.Ala657Thr; replaces alanine 657 with threonine.
Molecular consequence: missense variant.
Genome position (GRCh38, 1-based): chr6:170,283,310, C>T on the plus strand (G>A on the coding strand, the complement: DLL1 is on the minus strand). VCF-style: chr6-170283310-C-T. GRCh37 (hg19) VCF-style: chr6-170592398-C-T.
Other names: c.1969G>A (NM_005618.3); short protein forms A657T.
Identifiers: ClinVar variation 2887739 (VCV002887739.4), dbSNP rs745583389, ClinGen allele CA4106667.
Genomic context (GRCh38, chr6:170,283,310, plus strand): 5'-TCCCCTTCTCCTCCCCTGAGGAGCCCTGGGGCTGGCACTTGGTGTCACGCTTGCTGTGCG[C>T]GTCCCTGACGGCGGTGTCGTCACCCTTGAGGTCCTGCACGAGGTTATAGTCCACCGCTGG-3'
Protein context (NP_005609.3, residues 647-667): LKGDDTAVRD[Ala657Thr]HSKRDTKCQP